The following is an entry in ClinVar:

ClinVar aggregate classification (germline): Uncertain significance (1 of 4 stars; one submission).

Submission:

Labcorp Genetics (formerly Invitae), Labcorp
Classification: Uncertain significance. Last evaluated: 2026-01-01. Review status: criteria provided, single submitter. Criteria: Invitae Variant Classification Sherloc (09022015). Collection method: clinical testing. Allele origin: germline.
Comment: This sequence change replaces alanine, which is neutral and non-polar, with valine, which is neutral and non-polar, at codon 198 of the CD151 protein (p.Ala198Val). This variant is not present in population databases (gnomAD no frequency). This variant has not been reported in the literature in individuals affected with CD151-related conditions. An algorithm developed to predict the effect of missense changes on protein structure and function (PolyPhen-2) suggests that this variant is likely to be tolerated. In summary, the available evidence is currently insufficient to determine the role of this variant in disease. Therefore, it has been classified as a Variant of Uncertain Significance.

NM_004357.5(CD151):c.593C>T (p.Ala198Val)

Gene: CD151 (CD151 molecule (Raph blood group); plus strand). Cytogenetic location: 11p15.5.
Variant type: single nucleotide variant.
Coding change: c.593C>T on transcript NM_004357.5 (MANE Select); coding-DNA position 593, C replaced by T.
Protein change: p.Ala198Val; replaces alanine 198 with valine.
Molecular consequence: missense variant.
Genome position (GRCh38, 1-based): chr11:837,596, C>T. VCF-style: chr11-837596-C-T. GRCh37 (hg19) VCF-style: chr11-837596-C-T.
Other names: c.593C>T, p.Ala198Val (NM_001039490.2, NM_139029.2, NM_139030.4); short protein forms A198V.
Identifiers: ClinVar variation 4749578 (VCV004749578.1).